The following is an entry in ClinVar:

NM_001126121.2(SLC25A19):c.797T>G (p.Met266Arg)

Genes: MIF4GD-DT (MIF4GD divergent transcript; plus strand), SLC25A19 (solute carrier family 25 member 19; minus strand). Cytogenetic location: 17q25.1.
Variant type: single nucleotide variant.
Coding change: c.797T>G on transcript NM_001126121.2 (MANE Select); coding-DNA position 797, T replaced by G.
Protein change: p.Met266Arg; replaces methionine 266 with arginine.
Molecular consequence: missense variant. On other transcripts: non-coding transcript variant (1).
Genome position (GRCh38, 1-based): chr17:75,273,617, A>C on the plus strand (T>G on the coding strand, the complement: SLC25A19 is on the minus strand). VCF-style: chr17-75273617-A-C. GRCh37 (hg19) VCF-style: chr17-73269698-A-C.
Other names: c.797T>G, p.Met266Arg (NM_001126122.2, NM_021734.5); short protein forms M266R.
Identifiers: ClinVar variation 281113 (VCV000281113.30), dbSNP rs148372053, ClinGen allele CA8760877.

ClinVar aggregate classification (germline): Conflicting classifications of pathogenicity. Review status: criteria provided, conflicting classifications (1 of 4 stars). 8 submissions from 8 submitters: Uncertain significance (2); Likely benign (5). 1 of the submissions does not count toward it. Last evaluated 2026-01-12.

Conditions:
SLC25A19-related disorder. Also called: SLC25A19-related condition.
Amish lethal microcephaly (MCPHA). Also called: MICROCEPHALY, AMISH TYPE; THIAMINE METABOLISM DYSFUNCTION SYNDROME 3 (MICROCEPHALY TYPE). Identifiers: Orphanet 99742, MedGen C1846648, MONDO:0011790, OMIM 607196.
Inborn genetic diseases. Identifiers: MedGen C0950123, MeSH D030342.

Allele frequency attached by ClinVar (database versions not stated): gnomAD exomes 0.00050; ExAC 0.00062; 1000 Genomes Project 0.00120; ESP Exome Variant Server 0.00154; 1000 Genomes Project 30x 0.00156; gnomAD 0.00188 and 0.00204; TOPMed 0.00201.
gnomAD v4.1: 606 of 1,612,962 alleles (0.038%); highest among the groups gnomAD compares: African/African-American, 0.74%; 4 homozygotes.

Submissions (8):

Labcorp Genetics (formerly Invitae), Labcorp
Classification: Likely benign. Last evaluated: 2026-01-12. Review status: criteria provided, single submitter. Criteria: Invitae Variant Classification Sherloc (09022015). Collection method: clinical testing. Allele origin: germline.

Ambry Genetics
Classification: Likely benign for Inborn genetic diseases. Last evaluated: 2025-06-06. Review status: criteria provided, single submitter. Criteria: Ambry Variant Classification Scheme 2023. Collection method: clinical testing. Allele origin: germline.

GeneDx
Classification: Likely benign. Last evaluated: 2020-10-16. Review status: criteria provided, single submitter. Criteria: GeneDx Variant Classification Process June 2021. Collection method: clinical testing. Allele origin: germline. Affected: yes.

Mayo Clinic Laboratories, Mayo Clinic
Classification: Uncertain significance. Last evaluated: 2020-02-25. Review status: criteria provided, single submitter. Criteria: ACMG Guidelines, 2015. Collection method: clinical testing. Allele origin: germline. Observed: 1 variant allele.

Illumina Laboratory Services, Illumina
Classification: Likely benign for Amish lethal microcephaly. Last evaluated: 2018-01-12. Review status: criteria provided, single submitter. Criteria: ICSL Variant Classification Criteria 13 December 2019. Collection method: clinical testing. Allele origin: germline.
Comment: This variant was observed in the ICSL laboratory as part of a predisposition screen in an ostensibly healthy population. It had not been previously curated by ICSL or reported in the Human Gene Mutation Database (HGMD: prior to June 1st, 2018), and was therefore a candidate for classification through an automated scoring system. Utilizing variant allele frequency, disease prevalence and penetrance estimates, and inheritance mode, an automated score was calculated to assess if this variant is too frequent to cause the disease. Based on the score and internal cut-off values, a variant classified as likely benign is not then subjected to further curation. The score for this variant resulted in a classification of likely benign for this disease.

Genetic Services Laboratory, University of Chicago
Classification: Uncertain significance. Last evaluated: 2016-10-13. Review status: criteria provided, single submitter. Criteria: ACMG Guidelines, 2015. Collection method: clinical testing. Allele origin: germline. Affected: no.

Eurofins Ntd Llc (ga)
Classification: Likely benign. Last evaluated: 2016-01-29. Review status: criteria provided, single submitter. Criteria: EGL Classification Definitions 2015. Collection method: clinical testing. Allele origin: germline. Observed: 2 variant alleles, 2 heterozygotes.

PreventionGenetics, part of Exact Sciences
Classification: Likely benign for SLC25A19-related condition. Last evaluated: 2019-10-01. Review status: no assertion criteria provided. Collection method: clinical testing. Allele origin: germline. Not counted in ClinVar's aggregate classification.
Comment: This variant is classified as likely benign based on ACMG/AMP sequence variant interpretation guidelines (Richards et al. 2015 PMID: 25741868, with internal and published modifications).